The following is an entry in ClinVar:

NM_004104.5(FASN):c.6218T>C (p.Met2073Thr)

Gene: FASN (fatty acid synthase; minus strand). Cytogenetic location: 17q25.3.
Variant type: single nucleotide variant.
Coding change: c.6218T>C on transcript NM_004104.5 (MANE Select); coding-DNA position 6218, T replaced by C.
Protein change: p.Met2073Thr; replaces methionine 2073 with threonine.
Molecular consequence: missense variant.
Genome position (GRCh38, 1-based): chr17:82,081,789, A>G on the plus strand (T>C on the coding strand, the complement: FASN is on the minus strand). VCF-style: chr17-82081789-A-G. GRCh37 (hg19) VCF-style: chr17-80039665-A-G.
Other names: short protein forms M2073T.
Identifiers: ClinVar variation 577640 (VCV000577640.9), dbSNP rs548026005, ClinGen allele CA8851366.
Genomic context (GRCh38, chr17:82,081,789, plus strand): 5'-TCCAGGCAGGACGCCATGCGCTGGGGCAGCGTGCCACTGACGATCGTGTCGTTGGTGCTC[A>G]TCGTCTCCACCAAAATGCCCACGTCGCCGATGGCGCCCCACTGCACGGCCAGGCCTGTGG-3'
Protein context (NP_004095.4, residues 2063-2083): IGDVGILVET[Met2073Thr]STNDTIVSGT

ClinVar aggregate classification (germline): Uncertain significance (1 of 4 stars; one submission).

Conditions:
Epileptic encephalopathy. Identifiers: MedGen C0543888, HP:0200134.

Allele frequency attached by ClinVar (database versions not stated): TOPMed below 0.00001; gnomAD 0.00001; gnomAD exomes 0.00001 and 0.00002; ExAC 0.00003; 1000 Genomes Project 30x 0.00016; 1000 Genomes Project 0.00020.
gnomAD v4.1: 12 of 1,612,194 alleles (0.00074%); highest among the groups gnomAD compares: South Asian, 0.0077%; no homozygotes.

Submission:

Labcorp Genetics (formerly Invitae), Labcorp
Classification: Uncertain significance for Epileptic encephalopathy. Last evaluated: 2022-02-03. Review status: criteria provided, single submitter. Criteria: Invitae Variant Classification Sherloc (09022015). Collection method: clinical testing. Allele origin: germline.
Comment: In summary, the available evidence is currently insufficient to determine the role of this variant in disease. Therefore, it has been classified as a Variant of Uncertain Significance. Algorithms developed to predict the effect of missense changes on protein structure and function (SIFT, PolyPhen-2, Align-GVGD) all suggest that this variant is likely to be tolerated. ClinVar contains an entry for this variant (Variation ID: 577640). This variant has not been reported in the literature in individuals affected with FASN-related conditions. This variant is present in population databases (rs548026005, gnomAD 0.01%). This sequence change replaces methionine, which is neutral and non-polar, with threonine, which is neutral and polar, at codon 2073 of the FASN protein (p.Met2073Thr).